The following is an entry in ClinVar:

NM_206933.4(USH2A):c.4342A>C (p.Asn1448His)

Gene: USH2A (usherin; minus strand). Cytogenetic location: 1q41.
Variant type: single nucleotide variant.
Coding change: c.4342A>C on transcript NM_206933.4 (MANE Select); coding-DNA position 4342, A replaced by C.
Protein change: p.Asn1448His; replaces asparagine 1448 with histidine.
Molecular consequence: missense variant.
Genome position (GRCh38, 1-based): chr1:216,190,277, T>G on the plus strand (A>C on the coding strand, the complement: USH2A is on the minus strand). VCF-style: chr1-216190277-T-G. GRCh37 (hg19) VCF-style: chr1-216363619-T-G.
Other names: c.4342A>C, p.Asn1448His (NM_007123.6); short protein forms N1448H.
Identifiers: ClinVar variation 2505549 (VCV002505549.1), dbSNP rs2528020243, ClinGen allele CA344865250.

ClinVar aggregate classification (germline): Uncertain significance (1 of 4 stars; one submission).

Conditions:
Retinitis pigmentosa 39 (RP39). Identifiers: Orphanet 791, MedGen C3151138, MONDO:0013436, OMIM 613809.

Submission:

Dr. med. U. Finckh, Human Genetics, Eurofins MVZ
Classification: Uncertain significance for Retinitis pigmentosa 39. Review status: criteria provided, single submitter. Criteria: ACMG Guidelines, 2015. Collection method: clinical testing. Allele origin: unknown.